The following is an entry in ClinVar:

ClinVar aggregate classification (germline): Uncertain significance (1 of 4 stars; one submission).

gnomAD v4.1: 1 of 1,210,689 alleles (0.000083%); highest among the groups gnomAD compares: African/African-American, 0.0017%; no homozygotes.

Submission:

Labcorp Genetics (formerly Invitae), Labcorp
Classification: Uncertain significance. Last evaluated: 2025-10-16. Review status: criteria provided, single submitter. Criteria: Invitae Variant Classification Sherloc (09022015). Collection method: clinical testing. Allele origin: germline.
Comment: This sequence change falls in intron 9 of the OPHN1 gene. It does not directly change the encoded amino acid sequence of the OPHN1 protein. It affects a nucleotide within the consensus splice site. The frequency data for this variant in the population databases is considered unreliable, as metrics indicate poor data quality at this position in the gnomAD database. This variant has not been reported in the literature in individuals affected with OPHN1-related conditions. Variants that disrupt the consensus splice site are a relatively common cause of aberrant splicing (PMID: 17576681, 9536098). Algorithms developed to predict the effect of sequence changes on RNA splicing suggest that this variant is not likely to affect RNA splicing. In summary, the available evidence is currently insufficient to determine the role of this variant in disease. Therefore, it has been classified as a Variant of Uncertain Significance.

Literature cited by the submitters: PubMed 17576681; PubMed 9536098.

NM_002547.3(OPHN1):c.832+3G>A

Gene: OPHN1 (oligophrenin 1; minus strand). Cytogenetic location: Xq12.
Variant type: single nucleotide variant.
Coding change: c.832+3G>A on transcript NM_002547.3 (MANE Select); 3 bases into the intron after coding-DNA position 832, G replaced by A.
Molecular consequence: intron variant.
Genome position (GRCh38, 1-based): chrX:68,210,150, C>T on the plus strand (G>A on the coding strand, the complement: OPHN1 is on the minus strand). VCF-style: chrX-68210150-C-T. GRCh37 (hg19) VCF-style: chrX-67429992-C-T.
Other names: c.832+3G>A (NM_001437258.1).
Identifiers: ClinVar variation 4729339 (VCV004729339.1).